The following is an entry in ClinVar:

ClinVar aggregate classification (germline): Uncertain significance. Review status: criteria provided, multiple submitters, no conflicts (2 of 4 stars). 3 submissions from 3 submitters: Uncertain significance (3). Last evaluated 2024-01-03.

Conditions:
Hereditary cancer-predisposing syndrome. Also called: Tumor predisposition; Neoplastic Syndromes, Hereditary; Hereditary Cancer Syndrome; Hereditary neoplastic syndrome. Identifiers: Orphanet 140162, MedGen C0027672, MeSH D009386, MONDO:0015356.
Breast-ovarian cancer, familial, susceptibility to, 4. Identifiers: Orphanet 145, MedGen C3280345, MONDO:0013669, OMIM 614291.

Submissions (3):

Labcorp Genetics (formerly Invitae), Labcorp
Classification: Uncertain significance for Breast-ovarian cancer, familial, susceptibility to, 4. Last evaluated: 2024-01-03. Review status: criteria provided, single submitter. Criteria: Invitae Variant Classification Sherloc (09022015). Collection method: clinical testing. Allele origin: germline.
Comment: This sequence change falls in intron 3 of the RAD51D gene. It does not directly change the encoded amino acid sequence of the RAD51D protein. It affects a nucleotide within the consensus splice site. This variant is not present in population databases (gnomAD no frequency). This variant has not been reported in the literature in individuals affected with RAD51D-related conditions. ClinVar contains an entry for this variant (Variation ID: 1310864). Variants that disrupt the consensus splice site are a relatively common cause of aberrant splicing (PMID: 17576681, 9536098). Studies have shown this variant is associated with skipping of exon 3 and/or pseudo exon inclusion, but one or more of the resulting mRNA isoform(s) may be naturally occurring (Invitae). In summary, the available evidence is currently insufficient to determine the role of this variant in disease. Therefore, it has been classified as a Variant of Uncertain Significance.

GeneDx
Classification: Uncertain significance. Last evaluated: 2021-10-27. Review status: criteria provided, single submitter. Criteria: GeneDx Variant Classification Process June 2021. Collection method: clinical testing. Allele origin: germline. Affected: yes.
Comment: Intronic +5 splice site variant predicted to result in skipping of the adjacent exon 3; however, RNA studies demonstrate naturally occurring isoforms lacking exon 3 in multiple tissues (Davy 2017, Brandao 2019); Has not been previously published as pathogenic or benign to our knowledge; Not observed in large population cohorts (Lek 2016)

Color Diagnostics, LLC DBA Color Health
Classification: Uncertain significance for Hereditary cancer-predisposing syndrome. Last evaluated: 2021-09-20. Review status: criteria provided, single submitter. Criteria: ACMG Guidelines, 2015. Collection method: clinical testing. Allele origin: germline.
Comment: This variant causes a G to C nucleotide substitution at the +5 position of intron 3 of the RAD51D gene. Splice site prediction tools predict that this variant may have a significant impact on RNA splicing. Although this prediction has not been confirmed in published RNA studies, this variant is predicted to result in a disrupted protein product. To our knowledge, functional studies have not been reported for this variant. This variant has not been reported in individuals affected with hereditary cancer in the literature. This variant has not been identified in the general population by the Genome Aggregation Database (gnomAD). The available evidence is insufficient to determine the role of this variant in disease conclusively. Therefore, this variant is classified as a Variant of Uncertain Significance.

Literature cited by the submitters: PubMed 17576681 (cited by Labcorp Genetics (formerly Invitae), Labcorp); PubMed 9536098 (cited by Labcorp Genetics (formerly Invitae), Labcorp).

NM_002878.4(RAD51D):c.263+5G>C

Genes: RAD51D (RAD51 paralog D; minus strand), RAD51L3-RFFL (RAD51L3-RFFL readthrough; minus strand). Cytogenetic location: 17q12.
Variant type: single nucleotide variant.
Coding change: c.263+5G>C on transcript NM_002878.4 (MANE Select); 5 bases into the intron after coding-DNA position 263, G replaced by C.
Molecular consequence: intron variant.
Genome position (GRCh38, 1-based): chr17:35,118,496, C>G on the plus strand (G>C on the coding strand, the complement: RAD51D is on the minus strand). VCF-style: chr17-35118496-C-G. GRCh37 (hg19) VCF-style: chr17-33445515-C-G.
Other names: c.144+615G>C (NM_133629.3, NM_001142571.2).
Identifiers: ClinVar variation 1310864 (VCV001310864.9), dbSNP rs1567735224, ClinGen allele CA2573054415.